The following is an entry in ClinVar:

NM_032638.5(GATA2):c.334C>G (p.His112Asp)

Gene: GATA2 (GATA binding protein 2; minus strand). Cytogenetic location: 3q21.3.
Variant type: single nucleotide variant.
Coding change: c.334C>G on transcript NM_032638.5 (MANE Select); coding-DNA position 334, C replaced by G.
Protein change: p.His112Asp; replaces histidine 112 with aspartic acid.
Molecular consequence: missense variant.
Genome position (GRCh38, 1-based): chr3:128,486,264, G>C on the plus strand (C>G on the coding strand, the complement: GATA2 is on the minus strand). VCF-style: chr3-128486264-G-C. GRCh37 (hg19) VCF-style: chr3-128205107-G-C.
Other names: c.334C>G, p.His112Asp (NM_001145661.2, NM_001145662.1); short protein forms H112D.
Identifiers: ClinVar variation 2927915 (VCV002927915.4), dbSNP rs2472931882, ClinGen allele CA354407282.

ClinVar aggregate classification (germline): Uncertain significance. Review status: criteria provided, multiple submitters, no conflicts (2 of 4 stars). 2 submissions from 2 submitters: Uncertain significance (2). Last evaluated 2026-08-19.

Conditions:
Deafness-lymphedema-leukemia syndrome. Also called: Emberger syndrome; Lymphedema, primary, with myelodysplasia. Identifiers: Orphanet 3226, MedGen C3279664, MONDO:0013540, OMIM 614038.
Monocytopenia with susceptibility to infections. Also called: MONOCYTOPENIA AND MYCOBACTERIAL INFECTION SYNDROME; MONOCYTOPENIA WITH SUSCEPTIBILITY TO MYCOBACTERIAL, FUNGAL, AND PAPILLOMAVIRUS INFECTIONS AND MYELODYSPLASIA; COMBINED IMMUNODEFICIENCY WITH SUSCEPTIBILITY TO MYCOBACTERIAL, VIRAL, AND FUNGAL INFECTIONS; Dendritic cell, monocyte, B lymphocyte, and natural killer lymphocyte deficiency; GATA2 DEFICIENCY; IMMUNODEFICIENCY 21. Identifiers: Orphanet 228423, MedGen C3280030, MONDO:0013607, OMIM 614172.
Inborn genetic diseases. Identifiers: MedGen C0950123, MeSH D030342.

gnomAD v4.1: 4 of 1,571,272 alleles (0.00025%); highest among the groups gnomAD compares: Non-Finnish European, 0.00035%; no homozygotes.

Submissions (2):

Ambry Genetics
Classification: Uncertain significance for Inborn genetic diseases. Last evaluated: 2026-08-19. Review status: criteria provided, single submitter. Criteria: Ambry Variant Classification Scheme 2023. Collection method: clinical testing. Allele origin: germline.
Comment: The p.H112D variant (also known as c.334C>G), located in coding exon 2 of the GATA2 gene, results from a C to G substitution at nucleotide position 334. The histidine at codon 112 is replaced by aspartic acid, an amino acid with similar properties. This amino acid position is well conserved in available vertebrate species. In addition, this alteration is predicted to be deleterious by in silico analysis. Based on the available evidence, the clinical significance of this variant remains unclear.

Labcorp Genetics (formerly Invitae), Labcorp
Classification: Uncertain significance for Monocytopenia with susceptibility to infections; Deafness-lymphedema-leukemia syndrome. Last evaluated: 2023-07-08. Review status: criteria provided, single submitter. Criteria: Invitae Variant Classification Sherloc (09022015). Collection method: clinical testing. Allele origin: germline.
Comment: In summary, the available evidence is currently insufficient to determine the role of this variant in disease. Therefore, it has been classified as a Variant of Uncertain Significance. This sequence change replaces histidine, which is basic and polar, with aspartic acid, which is acidic and polar, at codon 112 of the GATA2 protein (p.His112Asp). This variant is not present in population databases (gnomAD no frequency). This variant has not been reported in the literature in individuals affected with GATA2-related conditions. Advanced modeling of protein sequence and biophysical properties (such as structural, functional, and spatial information, amino acid conservation, physicochemical variation, residue mobility, and thermodynamic stability) has been performed at Invitae for this missense variant, however the output from this modeling did not meet the statistical confidence thresholds required to predict the impact of this variant on GATA2 protein function.